The following is an entry in ClinVar:

NM_000426.4(LAMA2):c.3279C>T (p.Cys1093=)

Gene: LAMA2 (laminin subunit alpha 2; plus strand). Cytogenetic location: 6q22.33.
Variant type: single nucleotide variant.
Coding change: c.3279C>T on transcript NM_000426.4 (MANE Select); coding-DNA position 3279, C replaced by T.
Protein change: p.Cys1093=; no amino-acid change (cysteine 1093 retained).
Molecular consequence: synonymous variant.
Genome position (GRCh38, 1-based): chr6:129,312,965, C>T. VCF-style: chr6-129312965-C-T. GRCh37 (hg19) VCF-style: chr6-129634110-C-T.
Other names: c.3279C>T, p.Cys1093= (NM_001079823.2).
Identifiers: ClinVar variation 211352 (VCV000211352.19), dbSNP rs371376404, ClinGen allele CA207038.

ClinVar aggregate classification (germline): Conflicting classifications of pathogenicity. Review status: criteria provided, conflicting classifications (1 of 4 stars). 4 submissions from 4 submitters: Uncertain significance (1); Likely benign (1). 2 of the submissions do not count toward it. Last evaluated 2024-04-15.

Conditions:
LAMA2-related disorder. Also called: LAMA2-related disorders; LAMA2-related condition.
Merosin deficient congenital muscular dystrophy (MDC1A). Also called: Congenital merosin-deficient muscular dystrophy 1A; Congenital Muscular Dystrophy Type 1A (MDC1A). Identifiers: Orphanet 258, MedGen C1263858, MONDO:0011925, OMIM 607855.
LAMA2-related muscular dystrophy (LAMA2-RD). Also called: Laminin alpha 2-related dystrophy. Identifiers: MedGen C5679788, MONDO:0100228.

Allele frequency attached by ClinVar (database versions not stated): gnomAD exomes below 0.00001 and 0.00001; ExAC 0.00002; gnomAD 0.00002; TOPMed 0.00005; ESP Exome Variant Server 0.00008.
gnomAD v4.1: 7 of 1,613,906 alleles (0.00043%); highest among the groups gnomAD compares: African/African-American, 0.0093%; no homozygotes.

Submissions (4):

Labcorp Genetics (formerly Invitae), Labcorp
Classification: Likely benign for LAMA2-related muscular dystrophy. Last evaluated: 2024-04-15. Review status: criteria provided, single submitter. Criteria: Invitae Variant Classification Sherloc (09022015). Collection method: clinical testing. Allele origin: germline.

Genetic Services Laboratory, University of Chicago
Classification: Uncertain significance. Last evaluated: 2015-03-17. Review status: criteria provided, single submitter. Criteria: ACMG Guidelines, 2015. Collection method: clinical testing. Allele origin: germline.

PreventionGenetics, part of Exact Sciences
Classification: Likely benign for LAMA2-related condition. Last evaluated: 2021-02-02. Review status: no assertion criteria provided. Collection method: clinical testing. Allele origin: germline. Not counted in ClinVar's aggregate classification.
Comment: This variant is classified as likely benign based on ACMG/AMP sequence variant interpretation guidelines (Richards et al. 2015 PMID: 25741868, with internal and published modifications).

Counsyl
Classification: Likely benign for Merosin deficient congenital muscular dystrophy. Last evaluated: 2017-11-17. Review status: no assertion criteria provided. Collection method: clinical testing. Allele origin: unknown. Not counted in ClinVar's aggregate classification.